The following is an entry in ClinVar:

NM_144670.6(A2ML1):c.*1+1G>A

Gene: A2ML1 (alpha-2-macroglobulin like 1; plus strand). Cytogenetic location: 12p13.31.
Variant type: single nucleotide variant.
Coding change: c.*1+1G>A on transcript NM_144670.6 (MANE Select); the canonical splice donor site of the intron after 1 bases downstream of the stop codon, G replaced by A.
Molecular consequence: splice donor variant.
Genome position (GRCh38, 1-based): chr12:8,875,013, G>A. VCF-style: chr12-8875013-G-A. GRCh37 (hg19) VCF-style: chr12-9027609-G-A.
Other names: c.*1+1G>A (NM_001282424.3).
Identifiers: ClinVar variation 373057 (VCV000373057.2), dbSNP rs1057518179, ClinGen allele CA16042857.
Genomic context (GRCh38, chr12:8,875,013, plus strand): 5'-ACTTATTTCATTTCACAGATGAACAGGCAACAATTCAGTATTCTGATCCCTGTGAATGAG[G>A]TAAGTCCAGCGGAGAAATGGGTGGAGTTATGGGTTAGGGTGGCAGAAGTTAAGAGGAGCC-3'

ClinVar aggregate classification (germline): Uncertain significance. Review status: criteria provided, multiple submitters, no conflicts (2 of 4 stars). 2 submissions from 2 submitters: Uncertain significance (2). Last evaluated 2022-03-23.

Allele frequency attached by ClinVar (database versions not stated): gnomAD 0.00001; gnomAD exomes 0.00001; TOPMed 0.00001.
gnomAD v4.1: 7 of 1,613,926 alleles (0.00043%); highest among the groups gnomAD compares: Non-Finnish European, 0.00059%; no homozygotes.

Submissions (2):

AiLife Diagnostics
Classification: Uncertain significance. Last evaluated: 2022-03-23. Review status: criteria provided, single submitter. Criteria: ACMG Guidelines, 2015. Collection method: clinical testing. Allele origin: germline. Affected: yes. Observed: 1 variant allele.

GeneDx
Classification: Uncertain significance. Last evaluated: 2016-10-31. Review status: criteria provided, single submitter. Criteria: GeneDx Variant Classification (06012015). Collection method: clinical testing. Allele origin: germline. Affected: yes.
Comment: The c.*1+1 G>A variant destroys the canonical splice donor site of intron 35. The adjacent exon 35 of this variant contains both coding sequence, the normal protein termination codon, and partial 3' UTR region of the A2ML1 gene. The c.*1+1 G>A variant has not been published as a pathogenic variant, nor has it been reported as a benign variant to our knowledge. The variant was not observed in approximately 6,000 individuals of European and African American ancestry in the NHLBI Exome Sequencing Project, indicating it is not a common benign variant in these populations. Given the context of this sequence variant and in the absence of RNA/functional studies, the actual effect on splicing cannot be predicted. Therefore, based on the currently available information, it is unclear whether this variant is a pathogenic variant or a rare benign variant.